The following continues an entry in ClinVar:

NM_001267550.2(TTN):c.16303G>A (p.Val5435Met)

Gene: TTN. ClinVar aggregate classification (germline): Conflicting classifications of pathogenicity. Uncertain significance (1); Benign (10); Likely benign (10).

Submissions 17 to 26 of 26:

Laboratory for Molecular Medicine, Mass General Brigham Personalized Medicine
Classification: Likely benign. Last evaluated: 2015-08-21. Review status: criteria provided, single submitter. Criteria: LMM Criteria. Collection method: clinical testing. Allele origin: germline. Observed: 28 variant alleles.
Comment: p.Val4161Met in exon 52 of TTN: This variant is not expected to have clinical si gnificance because it has been identified in 0.8% (529/66228) of European chromo somes by the Exome Aggregation Consortium (ExAC; dbSNP rs72648937).

Genetic Services Laboratory, University of Chicago
Classification: Likely benign. Last evaluated: 2014-11-06. Review status: criteria provided, single submitter. Criteria: ACMG Guidelines, 2015. Collection method: clinical testing. Allele origin: germline.

Ambry Genetics
Classification: Likely benign for Cardiovascular phenotype. Last evaluated: 2013-09-06. Review status: criteria provided, single submitter. Criteria: Ambry Autosomal Dominant and X-Linked criteria (10/2015). Collection method: clinical testing. Allele origin: germline. Observed: 1 variant allele.

Biesecker Lab/Clinical Genomics Section, National Institutes of Health
Classification: Benign. Last evaluated: 2013-06-24. Review status: criteria provided, single submitter. Criteria: Ng et al. (Circ Cardiovasc Genet. 2013). Collection method: research. Allele origin: unknown. Observed: 9 variant alleles. Study: ClinSeq.
Comment: The study set was not selected for affection status in relation to any cancer. Pathogenicity categories were based on literature curation. See Pubmed ID:23861362 for details.

Medical sequencing

PreventionGenetics, part of Exact Sciences
Classification: Likely benign. Review status: criteria provided, single submitter. Criteria: ACMG Guidelines, 2015. Collection method: clinical testing. Allele origin: germline.

Clinical Genetics DNA and cytogenetics Diagnostics Lab, Erasmus MC, Erasmus Medical Center
Classification: Benign. Review status: no assertion criteria provided. Collection method: clinical testing. Allele origin: germline. Affected: yes. Study: VKGL Data-share Consensus. Not counted in ClinVar's aggregate classification.

Clinical Genetics, Academic Medical Center
Classification: Benign. Review status: no assertion criteria provided. Collection method: clinical testing. Allele origin: germline. Affected: yes. Study: VKGL Data-share Consensus. Not counted in ClinVar's aggregate classification.

Diagnostic Laboratory, Department of Genetics, University Medical Center Groningen
Classification: Likely benign. Review status: no assertion criteria provided. Collection method: clinical testing. Allele origin: germline. Affected: yes. Study: VKGL Data-share Consensus. Not counted in ClinVar's aggregate classification.

Joint Genome Diagnostic Labs from Nijmegen and Maastricht, Radboudumc and MUMC+
Classification: Benign. Review status: no assertion criteria provided. Collection method: clinical testing. Allele origin: germline. Affected: yes. Study: VKGL Data-share Consensus. Not counted in ClinVar's aggregate classification.

Laboratory of Diagnostic Genome Analysis, Leiden University Medical Center (LUMC)
Classification: Likely benign. Review status: no assertion criteria provided. Collection method: clinical testing. Allele origin: germline. Affected: yes. Study: VKGL Data-share Consensus. Not counted in ClinVar's aggregate classification.